The following is an entry in ClinVar:

ClinVar aggregate classification (germline): Uncertain significance (1 of 4 stars; one submission).

Allele frequency attached by ClinVar (database versions not stated): ExAC 0.00001; gnomAD 0.00001; gnomAD exomes 0.00002.
gnomAD v4.1: 15 of 1,614,078 alleles (0.00093%); highest among the groups gnomAD compares: South Asian, 0.013%; no homozygotes.

Submission:

GeneDx
Classification: Uncertain significance. Last evaluated: 2020-11-02. Review status: criteria provided, single submitter. Criteria: GeneDx Variant Classification Process June 2021. Collection method: clinical testing. Allele origin: germline. Affected: yes.
Comment: In silico analysis, which includes protein predictors and evolutionary conservation, supports that this variant does not alter protein structure/function; Has not been previously published as pathogenic or benign to our knowledge; Not observed at a significant frequency in large population cohorts (Lek et al., 2016)

NM_000373.4(UMPS):c.617T>C (p.Phe206Ser)

Gene: UMPS (uridine monophosphate synthetase; plus strand). Cytogenetic location: 3q21.2.
Variant type: single nucleotide variant.
Coding change: c.617T>C on transcript NM_000373.4 (MANE Select); coding-DNA position 617, T replaced by C.
Protein change: p.Phe206Ser; replaces phenylalanine 206 with serine.
Molecular consequence: missense variant. On other transcripts: non-coding transcript variant (2).
Genome position (GRCh38, 1-based): chr3:124,737,874, T>C. VCF-style: chr3-124737874-T-C. GRCh37 (hg19) VCF-style: chr3-124456721-T-C.
Other names: short protein forms F206S.
Identifiers: ClinVar variation 1311700 (VCV001311700.2), dbSNP rs778507698, ClinGen allele CA2581687.